The following is an entry in ClinVar:

NM_001365068.1(ASTN2):c.561C>T (p.Thr187=)

Gene: ASTN2 (astrotactin 2; minus strand). Cytogenetic location: 9q33.1.
Variant type: single nucleotide variant.
Coding change: c.561C>T on transcript NM_001365068.1 (MANE Select); coding-DNA position 561, C replaced by T.
Protein change: p.Thr187=; no amino-acid change (threonine 187 retained).
Molecular consequence: synonymous variant.
Genome position (GRCh38, 1-based): chr9:117,291,395, G>A on the plus strand (C>T on the coding strand, the complement: ASTN2 is on the minus strand). VCF-style: chr9-117291395-G-A. GRCh37 (hg19) VCF-style: chr9-120053674-G-A.
Other names: c.561C>T, p.Thr187= (NM_001365069.1, NM_014010.5).
Identifiers: ClinVar variation 708047 (VCV000708047.5), dbSNP rs139165238, ClinGen allele CA5211997.

ClinVar aggregate classification (germline): Benign/Likely benign. Review status: criteria provided, multiple submitters, no conflicts (2 of 4 stars). 3 submissions from 3 submitters: Benign (2); Likely benign (1). Last evaluated 2025-06-05.

Conditions:
ASTN2-related disorder. Also called: ASTN2-related condition.

Allele frequency attached by ClinVar (database versions not stated): ESP Exome Variant Server 0.00115; gnomAD 0.00185 and 0.00210; gnomAD exomes 0.00243; ExAC 0.00252; TOPMed 0.00276; 1000 Genomes Project 30x 0.00625; 1000 Genomes Project 0.00679.
gnomAD v4.1: 1,567 of 1,614,198 alleles (0.097%); highest among the groups gnomAD compares: East Asian, 2.2%; 20 homozygotes.

Submissions (3):

PreventionGenetics, part of Exact Sciences
Classification: Likely benign for ASTN2-related condition. Last evaluated: 2025-06-05. Review status: criteria provided, single submitter. Criteria: ACMG Guidelines, 2015. Collection method: clinical testing. Allele origin: germline.
Comment: This variant is classified as likely benign based on ACMG/AMP sequence variant interpretation guidelines (Richards et al. 2015 PMID: 25741868, with internal and published modifications).

Labcorp Genetics (formerly Invitae), Labcorp
Classification: Benign. Last evaluated: 2018-12-14. Review status: criteria provided, single submitter. Criteria: Invitae Variant Classification Sherloc (09022015). Collection method: clinical testing. Allele origin: germline.

Breakthrough Genomics
Classification: Benign. Review status: criteria provided, single submitter. Criteria: ACMG Guidelines, 2015. Collection method: not provided. Allele origin: germline. Inheritance: Unknown mechanism. Affected: yes.